The following is an entry in ClinVar:

NM_016180.5(SLC45A2):c.602A>G (p.Asp201Gly)

Gene: SLC45A2 (solute carrier family 45 member 2; minus strand). Cytogenetic location: 5p13.2.
Variant type: single nucleotide variant.
Coding change: c.602A>G on transcript NM_016180.5 (MANE Select); coding-DNA position 602, A replaced by G.
Protein change: p.Asp201Gly; replaces aspartic acid 201 with glycine.
Molecular consequence: missense variant. On other transcripts: intron variant (1).
Genome position (GRCh38, 1-based): chr5:33,963,977, T>C on the plus strand (A>G on the coding strand, the complement: SLC45A2 is on the minus strand). VCF-style: chr5-33963977-T-C. GRCh37 (hg19) VCF-style: chr5-33964082-T-C.
Other names: c.602A>G, p.Asp201Gly (NM_001012509.4); c.563-9473A>G (NM_001297417.4); short protein forms D201G.
Identifiers: ClinVar variation 905422 (VCV000905422.10), dbSNP rs750190731, ClinGen allele CA3225733.

ClinVar aggregate classification (germline): Uncertain significance. Review status: criteria provided, multiple submitters, no conflicts (2 of 4 stars). 3 submissions from 3 submitters: Uncertain significance (3). Last evaluated 2026-01-21.

Conditions:
Oculocutaneous albinism type 4 (OCA4). Also called: Albinism, oculocutaneous, type IV. Identifiers: Orphanet 79435, MedGen C1847836, MONDO:0011683, OMIM 606574.

Allele frequency attached by ClinVar (database versions not stated): ExAC 0.00001; TOPMed 0.00004; gnomAD 0.00007; gnomAD exomes 0.00003 and 0.00014.
gnomAD v4.1: 217 of 1,613,896 alleles (0.013%); highest among the groups gnomAD compares: Non-Finnish European, 0.018%; no homozygotes.

Submissions (3):

GeneDx
Classification: Uncertain significance. Last evaluated: 2026-01-21. Review status: criteria provided, single submitter. Criteria: GeneDx Variant Classification Process June 2021. Collection method: clinical testing. Allele origin: germline.
Comment: Identified as a heterozygous variant a patient with cutaneous melanoma in published literature (PMID: 31233279); In silico analysis supports that this missense variant has a deleterious effect on protein structure/function; This variant is associated with the following publications: (PMID: 31233279)

Labcorp Genetics (formerly Invitae), Labcorp
Classification: Uncertain significance. Last evaluated: 2026-01-12. Review status: criteria provided, single submitter. Criteria: Invitae Variant Classification Sherloc (09022015). Collection method: clinical testing. Allele origin: germline.
Comment: This sequence change replaces aspartic acid, which is acidic and polar, with glycine, which is neutral and non-polar, at codon 201 of the SLC45A2 protein (p.Asp201Gly). This variant is present in population databases (rs750190731, gnomAD 0.006%). This missense change has been observed in individual(s) with clinical features of oculocutaneous albinism (internal data). In at least one individual the data is consistent with being in trans (on the opposite chromosome) from a pathogenic variant. ClinVar contains an entry for this variant (Variation ID: 905422). Invitae Evidence Modeling of protein sequence and biophysical properties (such as structural, functional, and spatial information, amino acid conservation, physicochemical variation, residue mobility, and thermodynamic stability) indicates that this missense variant is not expected to disrupt SLC45A2 protein function with a negative predictive value of 80%. In summary, the available evidence is currently insufficient to determine the role of this variant in disease. Therefore, it has been classified as a Variant of Uncertain Significance.

Illumina Laboratory Services, Illumina
Classification: Uncertain significance for Oculocutaneous albinism type 4. Last evaluated: 2018-01-12. Review status: criteria provided, single submitter. Criteria: ICSL Variant Classification Criteria 13 December 2019. Collection method: clinical testing. Allele origin: germline.